The following is an entry in ClinVar:

NM_001130144.3(LTBP3):c.3355C>A (p.Arg1119Ser)

Genes: LTBP3 (latent transforming growth factor beta binding protein 3; minus strand), LOC130006027 (ATAC-STARR-seq lymphoblastoid silent region 3530; plus strand). Cytogenetic location: 11q13.1.
Variant type: single nucleotide variant.
Coding change: c.3355C>A on transcript NM_001130144.3 (MANE Select); coding-DNA position 3355, C replaced by A.
Protein change: p.Arg1119Ser; replaces arginine 1119 with serine.
Molecular consequence: missense variant. On other transcripts: intron variant (2).
Genome position (GRCh38, 1-based): chr11:65,540,043, G>T on the plus strand (C>A on the coding strand, the complement: LTBP3 is on the minus strand). VCF-style: chr11-65540043-G-T. GRCh37 (hg19) VCF-style: chr11-65307514-G-T.
Other names: c.2894-162C>A (NM_001164266.1); c.3245-162C>A (NM_021070.4); short protein forms R1119S.
Identifiers: ClinVar variation 4101323 (VCV004101323.1).

ClinVar aggregate classification (germline): Uncertain significance (1 of 4 stars; one submission).

Conditions:
Inborn genetic diseases. Identifiers: MedGen C0950123, MeSH D030342.

gnomAD v4.1: 2 of 1,516,250 alleles (0.00013%); highest among the groups gnomAD compares: Non-Finnish European, 0.00018%; no homozygotes.

Submission:

Ambry Genetics
Classification: Uncertain significance for Inborn genetic diseases. Last evaluated: 2025-08-30. Review status: criteria provided, single submitter. Criteria: Ambry Variant Classification Scheme 2023. Collection method: clinical testing. Allele origin: germline.
Comment: The p.R1119S variant (also known as c.3355C>A), located in coding exon 24 of the LTBP3 gene, results from a C to A substitution at nucleotide position 3355. The arginine at codon 1119 is replaced by serine, an amino acid with dissimilar properties. This amino acid position is conserved. In addition, the in silico prediction for this alteration is inconclusive. Based on the available evidence, the clinical significance of this variant remains unclear.